The following is an entry in ClinVar:

ClinVar aggregate classification (germline): Uncertain significance (1 of 4 stars; one submission).

Submission:

Labcorp Genetics (formerly Invitae), Labcorp
Classification: Uncertain significance. Last evaluated: 2022-04-16. Review status: criteria provided, single submitter. Criteria: Invitae Variant Classification Sherloc (09022015). Collection method: clinical testing. Allele origin: germline.
Comment: This sequence change replaces aspartic acid, which is acidic and polar, with asparagine, which is neutral and polar, at codon 495 of the HPS4 protein (p.Asp495Asn). This variant is not present in population databases (gnomAD no frequency). This variant has not been reported in the literature in individuals affected with HPS4-related conditions. Algorithms developed to predict the effect of missense changes on protein structure and function (SIFT, PolyPhen-2, Align-GVGD) all suggest that this variant is likely to be tolerated. In summary, the available evidence is currently insufficient to determine the role of this variant in disease. Therefore, it has been classified as a Variant of Uncertain Significance.

NM_022081.6(HPS4):c.1483G>A (p.Asp495Asn)

Gene: HPS4 (HPS4 biogenesis of lysosomal organelles complex 3 subunit 2; minus strand). Cytogenetic location: 22q12.1.
Variant type: single nucleotide variant.
Coding change: c.1483G>A on transcript NM_022081.6 (MANE Select); coding-DNA position 1483, G replaced by A.
Protein change: p.Asp495Asn; replaces aspartic acid 495 with asparagine.
Molecular consequence: missense variant. On other transcripts: non-coding transcript variant (8).
Genome position (GRCh38, 1-based): chr22:26,464,147, C>T on the plus strand (G>A on the coding strand, the complement: HPS4 is on the minus strand). VCF-style: chr22-26464147-C-T. GRCh37 (hg19) VCF-style: chr22-26860113-C-T.
Other names: c.1483G>A, p.Asp495Asn (NM_001349896.1, NM_001349898.2, NM_001349899.2 and 5 more transcripts); c.1537G>A, p.Asp513Asn (NM_001349900.2, NM_001349901.1); c.1468G>A, p.Asp490Asn (NM_152841.2); short protein forms D490N, D513N, D495N.
Identifiers: ClinVar variation 2126495 (VCV002126495.1), dbSNP rs2518199778, ClinGen allele CA411026752.